The following is an entry in ClinVar:

ClinVar aggregate classification (germline): Uncertain significance. Review status: criteria provided, single submitter (1 of 4 stars). 2 submissions from 2 submitters: Uncertain significance (1). 1 of the submissions does not count toward it. Last evaluated 2024-06-12.

Conditions:
Nephrotic syndrome, type 3 (NPHS3). Also called: NEPHROTIC SYNDROME, EARLY-ONSET, TYPE 3. Identifiers: Orphanet 656, MedGen C1853124, MONDO:0012546, OMIM 610725.
PLCE1-related disorder. Also called: PLCE1-related condition.

gnomAD v4.1: 69 of 1,613,622 alleles (0.0043%); highest among the groups gnomAD compares: East Asian, 0.12%; 1 homozygote.

Submissions (2):

Fulgent Genetics
Classification: Uncertain significance for Nephrotic syndrome, type 3. Last evaluated: 2024-06-12. Review status: criteria provided, single submitter. Criteria: ACMG Guidelines, 2015. Collection method: clinical testing. Allele origin: germline.

PreventionGenetics, part of Exact Sciences
Classification: Likely benign for PLCE1-related condition. Last evaluated: 2024-04-15. Review status: no assertion criteria provided. Collection method: clinical testing. Allele origin: germline. Not counted in ClinVar's aggregate classification.
Comment: This variant is classified as likely benign based on ACMG/AMP sequence variant interpretation guidelines (Richards et al. 2015 PMID: 25741868, with internal and published modifications).

NM_016341.4(PLCE1):c.578T>C (p.Val193Ala)

Gene: PLCE1 (phospholipase C epsilon 1; plus strand). Cytogenetic location: 10q23.33.
Variant type: single nucleotide variant.
Coding change: c.578T>C on transcript NM_016341.4 (MANE Select); coding-DNA position 578, T replaced by C.
Protein change: p.Val193Ala; replaces valine 193 with alanine.
Molecular consequence: missense variant.
Genome position (GRCh38, 1-based): chr10:94,031,624, T>C. VCF-style: chr10-94031624-T-C. GRCh37 (hg19) VCF-style: chr10-95791381-T-C.
Other names: c.578T>C, p.Val193Ala (NM_001288989.2); short protein forms V193A.
Identifiers: ClinVar variation 3356457 (VCV003356457.2).